The following is an entry in ClinVar:

ClinVar aggregate classification (germline): Pathogenic. Review status: criteria provided, multiple submitters, no conflicts (2 of 4 stars). 3 submissions from 3 submitters: Pathogenic (2). 1 of the submissions does not count toward it. Last evaluated 2024-01-09.

Conditions:
Polycystic kidney disease, adult type (PKD1). Also called: POLYCYSTIC KIDNEY DISEASE 1 WITH OR WITHOUT POLYCYSTIC LIVER DISEASE; Polycystic Kidney Disease 1, Autosomal Dominant; Polycystic kidney disease 1; Polycystic kidney disease 1, severe; POLYCYSTIC KIDNEY DISEASE, ADULT, TYPE I; Polycystic Kidney, Autosomal Dominant. Identifiers: MedGen C3149841, MONDO:0008263, OMIM 173900.
Autosomal dominant polycystic kidney disease. Identifiers: Orphanet 730, MedGen C0085413, MONDO:0004691.

Submissions (3):

Fulgent Genetics
Classification: Pathogenic for Polycystic kidney disease, adult type. Last evaluated: 2024-01-09. Review status: criteria provided, single submitter. Criteria: ACMG Guidelines, 2015. Collection method: clinical testing. Allele origin: germline.

GeneDx
Classification: Pathogenic. Last evaluated: 2024-01-08. Review status: criteria provided, single submitter. Criteria: GeneDx Variant Classification Process June 2021. Collection method: clinical testing. Allele origin: germline. Affected: yes.
Comment: Canonical splice site variant predicted to result in a null allele in a gene for which loss-of-function is a known mechanism of disease; Not observed at significant frequency in large population cohorts (gnomAD); Has not been previously published as pathogenic or benign to our knowledge

Laboratory of Gastroenterology and Hepatology, Radboud University Medical Center
Classification: Pathogenic for Autosomal dominant polycystic kidney disease. Last evaluated: 2021-09-01. Review status: no assertion criteria provided. Collection method: research. Allele origin: germline. Affected: yes. Not counted in ClinVar's aggregate classification.

NM_001009944.3(PKD1):c.6915+1G>A

Gene: PKD1 (polycystin 1, transient receptor potential channel interacting; minus strand). Cytogenetic location: 16p13.3.
Variant type: single nucleotide variant.
Coding change: c.6915+1G>A on transcript NM_001009944.3 (MANE Select); the canonical splice donor site of the intron after coding-DNA position 6915, G replaced by A.
Molecular consequence: splice donor variant.
Genome position (GRCh38, 1-based): chr16:2,108,251, C>T on the plus strand (G>A on the coding strand, the complement: PKD1 is on the minus strand). VCF-style: chr16-2108251-C-T. GRCh37 (hg19) VCF-style: chr16-2158252-C-T.
Other names: c.6915+1G>A (NM_000296.4).
Identifiers: ClinVar variation 1255680 (VCV001255680.4), dbSNP rs2151785467, ClinGen allele CA394372630.
Genomic context (GRCh38, chr16:2,108,251, plus strand): 5'-CTCTGGGCTCATGGGTGTGGACGGGTGAGGGGCATGGAGGACGGCCCTGCCACGCACTGA[C>T]CTGTGTCGAAGCCACACAGGCCCAGTGGAAACTGAGCGGCGTCTGGTCGCCGTCCTCCAG-3'